The following is an entry in ClinVar:

NM_004656.4(BAP1):c.323T>C (p.Leu108Pro)

Gene: BAP1 (BRCA1 associated deubiquitinase 1; minus strand). Cytogenetic location: 3p21.1.
Variant type: single nucleotide variant.
Coding change: c.323T>C on transcript NM_004656.4 (MANE Select); coding-DNA position 323, T replaced by C.
Protein change: p.Leu108Pro; replaces leucine 108 with proline.
Molecular consequence: missense variant.
Genome position (GRCh38, 1-based): chr3:52,408,010, A>G on the plus strand (T>C on the coding strand, the complement: BAP1 is on the minus strand). VCF-style: chr3-52408010-A-G. GRCh37 (hg19) VCF-style: chr3-52442026-A-G.
Other names: c.323T>C, p.Leu108Pro (NM_001410772.1); short protein forms L108P.
Identifiers: ClinVar variation 4867338 (VCV004867338.1).

ClinVar aggregate classification (germline): Uncertain significance (1 of 4 stars; one submission).

Conditions:
Hereditary cancer-predisposing syndrome. Also called: Neoplastic Syndromes, Hereditary; Tumor predisposition; Hereditary Cancer Syndrome; Hereditary neoplastic syndrome. Identifiers: Orphanet 140162, MedGen C0027672, MeSH D009386, MONDO:0015356.

Submission:

Ambry Genetics
Classification: Uncertain significance for Hereditary cancer-predisposing syndrome. Last evaluated: 2026-03-30. Review status: criteria provided, single submitter. Criteria: Ambry Variant Classification Scheme 2023. Collection method: clinical testing. Allele origin: germline.
Comment: The p.L108P variant (also known as c.323T>C), located in coding exon 5 of the BAP1 gene, results from a T to C substitution at nucleotide position 323. The leucine at codon 108 is replaced by proline, an amino acid with similar properties. This amino acid position is conserved. In addition, this alteration is predicted to be deleterious by in silico analysis. Based on the available evidence, the clinical significance of this variant remains unclear.